The following is an entry in ClinVar:

NM_000407.5(GP1BB):c.399C>T (p.Ala133=)

Genes: GP1BB (glycoprotein Ib platelet subunit beta; plus strand), SEPT5-GP1BB (SEPT5-GP1BB readthrough; plus strand). Cytogenetic location: 22q11.21.
Variant type: single nucleotide variant.
Coding change: c.399C>T on transcript NM_000407.5 (MANE Select); coding-DNA position 399, C replaced by T.
Protein change: p.Ala133=; no amino-acid change (alanine 133 retained).
Molecular consequence: synonymous variant. On other transcripts: non-coding transcript variant (2).
Genome position (GRCh38, 1-based): chr22:19,724,242, C>T. VCF-style: chr22-19724242-C-T. GRCh37 (hg19) VCF-style: chr22-19711765-C-T.
Other names: p.Ala133=.
Identifiers: ClinVar variation 256031 (VCV000256031.37), dbSNP rs142352780, ClinGen allele CA10102342.
Genomic context (GRCh38, chr22:19,724,242, plus strand): 5'-CCGCGACCTGCGTTGCGTGGCGCCCCCAGCGCTGCGCGGCCGCCTGCTGCCCTATCTGGC[C>T]GAGGACGAGCTGCGCGCCGCTTGCGCTCCCGGCCCGCTCTGCTGGGGGGCGCTGGCGGCG-3'
Protein context (NP_000398.1, residues 123-143): ALRGRLLPYL[Ala133=]EDELRAACAP

ClinVar aggregate classification (germline): Conflicting classifications of pathogenicity. Review status: criteria provided, conflicting classifications (1 of 4 stars). 6 submissions from 6 submitters: Uncertain significance (1); Benign (1); Likely benign (4). Last evaluated 2026-09-01.

Allele frequency attached by ClinVar (database versions not stated): ExAC below 0.00001; 1000 Genomes Project 0.00220; TOPMed 0.00419; gnomAD 0.00465 and 0.00467; 1000 Genomes Project 30x 0.00468; gnomAD exomes 0.00716.
gnomAD v4.1: 7,157 of 1,240,568 alleles (0.58%); highest among the groups gnomAD compares: Non-Finnish European, 0.63%; 22 homozygotes.

Submissions (6):

CeGaT Center for Human Genetics Tuebingen
Classification: Likely benign. Last evaluated: 2026-09-01. Review status: criteria provided, single submitter. Criteria: CeGaT Center For Human Genetics Tuebingen Variant Classification Criteria Version 2. Collection method: clinical testing. Allele origin: germline. Affected: yes. Observed: 15 variant alleles.
Comment: GP1BB: BP4, BP7, BS2

Mayo Clinic Laboratories, Mayo Clinic
Classification: Benign. Last evaluated: 2025-09-22. Review status: criteria provided, single submitter. Criteria: ACMG Guidelines, 2015. Collection method: clinical testing. Allele origin: germline. Observed: 3 variant alleles.
Comment: BA1, BS2, BP4, BP7

Blueprint Genetics
Classification: Likely benign. Last evaluated: 2024-11-28. Review status: criteria provided, single submitter. Criteria: ACMG Guidelines, 2015. Collection method: clinical testing. Allele origin: germline.

Labcorp Genetics (formerly Invitae), Labcorp
Classification: Likely benign. Last evaluated: 2019-12-31. Review status: criteria provided, single submitter. Criteria: Invitae Variant Classification Sherloc (09022015). Collection method: clinical testing. Allele origin: germline.

Eurofins Ntd Llc (ga)
Classification: Uncertain significance. Last evaluated: 2016-06-28. Review status: criteria provided, single submitter. Criteria: EGL Classification Definitions 2015. Collection method: clinical testing. Allele origin: germline. Observed: 2 variant alleles, 1 heterozygote.

PreventionGenetics, part of Exact Sciences
Classification: Likely benign. Review status: criteria provided, single submitter. Criteria: ACMG Guidelines, 2015. Collection method: clinical testing. Allele origin: germline.